The following is an entry in ClinVar:

ClinVar aggregate classification (germline): Likely benign (1 of 4 stars; one submission).

Allele frequency attached by ClinVar (database versions not stated): gnomAD 0.00004 and 0.00005; TOPMed 0.00009.
gnomAD v4.1: 8 of 643,928 alleles (0.0012%); highest among the groups gnomAD compares: African/African-American, 0.011%; no homozygotes.

Submission:

GeneDx
Classification: Likely benign. Last evaluated: 2017-10-19. Review status: criteria provided, single submitter. Criteria: GeneDx Variant Classification (06012015). Collection method: clinical testing. Allele origin: germline. Affected: yes.
Comment: This variant is considered likely benign or benign based on one or more of the following criteria: it is a conservative change, it occurs at a poorly conserved position in the protein, it is predicted to be benign by multiple in silico algorithms, and/or has population frequency not consistent with disease.

NM_005006.7(NDUFS1):c.-5+18T>C

Genes: NDUFS1 (NADH:ubiquinone oxidoreductase core subunit S1; minus strand), LOC129935473 (ATAC-STARR-seq lymphoblastoid active region 17025; plus strand). Cytogenetic location: 2q33.3.
Variant type: single nucleotide variant.
Coding change: c.-5+18T>C on transcript NM_005006.7 (MANE Select); 18 bases into the intron after 5 bases upstream of the start codon, T replaced by C.
Molecular consequence: intron variant.
Genome position (GRCh38, 1-based): chr2:206,159,323, A>G on the plus strand (T>C on the coding strand, the complement: NDUFS1 is on the minus strand). VCF-style: chr2-206159323-A-G. GRCh37 (hg19) VCF-style: chr2-207024047-A-G.
Other names: c.-61+18T>C (NM_001199982.2); c.-84+18T>C (NM_001199983.2); c.-5+18T>C (NM_001199981.2).
Identifiers: ClinVar variation 512564 (VCV000512564.1), dbSNP rs1386824414, ClinGen allele CA539059524.